The following is an entry in ClinVar:

NM_020207.7(ERCC6L2):c.4147C>T (p.Arg1383Cys)

Gene: ERCC6L2 (ERCC excision repair 6 like 2; plus strand). Cytogenetic location: 9q22.32.
Variant type: single nucleotide variant.
Coding change: c.4147C>T on transcript NM_020207.7 (MANE Select); coding-DNA position 4147, C replaced by T.
Protein change: p.Arg1383Cys; replaces arginine 1383 with cysteine.
Molecular consequence: missense variant. On other transcripts: non-coding transcript variant (1), intron variant (2).
Genome position (GRCh38, 1-based): chr9:96,012,697, C>T. VCF-style: chr9-96012697-C-T. GRCh37 (hg19) VCF-style: chr9-98774979-C-T.
Other names: c.3674+7996C>T (NM_001375291.1, NM_001375292.1); short protein forms R1383C.
Identifiers: ClinVar variation 2079312 (VCV002079312.4), dbSNP rs376810322, ClinGen allele CA5140066.
Genomic context (GRCh38, chr9:96,012,697, plus strand): 5'-TCTACTCAAGAGATTGACAGTGGGAAAAACAGCCAGGCATCCGAAGATACTGTGACATCC[C>T]GTTCTCTGAACAGTGAGTCTGAAACACGTGAGAGAAGGTTAGAAAATACCATGAAAGACC-3'
Protein context (NP_064592.3, residues 1373-1393): SQASEDTVTS[Arg1383Cys]SLNSESETRE

ClinVar aggregate classification (germline): Uncertain significance (1 of 4 stars; one submission).

Allele frequency attached by ClinVar (database versions not stated): gnomAD 0.00001; TOPMed 0.00001; ESP Exome Variant Server 0.00008.
gnomAD v4.1: 6 of 1,367,362 alleles (0.00044%); highest among the groups gnomAD compares: African/African-American, 0.0015%; no homozygotes.

Submission:

Labcorp Genetics (formerly Invitae), Labcorp
Classification: Uncertain significance. Last evaluated: 2022-07-08. Review status: criteria provided, single submitter. Criteria: Invitae Variant Classification Sherloc (09022015). Collection method: clinical testing. Allele origin: germline.
Comment: This sequence change replaces arginine, which is basic and polar, with cysteine, which is neutral and slightly polar, at codon 1394 of the ERCC6L2 protein (p.Arg1394Cys). This variant is present in population databases (rs376810322, gnomAD 0.003%). This variant has not been reported in the literature in individuals affected with ERCC6L2-related conditions. Algorithms developed to predict the effect of missense changes on protein structure and function are either unavailable or do not agree on the potential impact of this missense change (SIFT: "Tolerated"; PolyPhen-2: "Not Available"; Align-GVGD: "Class C0"). In summary, the available evidence is currently insufficient to determine the role of this variant in disease. Therefore, it has been classified as a Variant of Uncertain Significance.